The following is an entry in ClinVar:

ClinVar aggregate classification (germline): Uncertain significance (1 of 4 stars; one submission).

Allele frequency attached by ClinVar (database versions not stated): gnomAD exomes 0.00002 and 0.00003; ExAC 0.00003; TOPMed 0.00004; gnomAD 0.00005; ESP Exome Variant Server 0.00008.
gnomAD v4.1: 40 of 1,614,110 alleles (0.0025%); highest among the groups gnomAD compares: Non-Finnish European, 0.0033%; no homozygotes.

Submission:

Labcorp Genetics (formerly Invitae), Labcorp
Classification: Uncertain significance. Last evaluated: 2023-04-07. Review status: criteria provided, single submitter. Criteria: Invitae Variant Classification Sherloc (09022015). Collection method: clinical testing. Allele origin: germline.
Comment: In summary, the available evidence is currently insufficient to determine the role of this variant in disease. Therefore, it has been classified as a Variant of Uncertain Significance. An algorithm developed to predict the effect of missense changes on protein structure and function (PolyPhen-2) suggests that this variant is likely to be disruptive. ClinVar contains an entry for this variant (Variation ID: 1507524). This variant has not been reported in the literature in individuals affected with C8A-related conditions. This variant is present in population databases (rs369360225, gnomAD 0.006%). This sequence change replaces alanine, which is neutral and non-polar, with serine, which is neutral and polar, at codon 566 of the C8A protein (p.Ala566Ser).

NM_000562.3(C8A):c.1696G>T (p.Ala566Ser)

Gene: C8A (complement C8 alpha chain; plus strand). Cytogenetic location: 1p32.2.
Variant type: single nucleotide variant.
Coding change: c.1696G>T on transcript NM_000562.3 (MANE Select); coding-DNA position 1696, G replaced by T.
Protein change: p.Ala566Ser; replaces alanine 566 with serine.
Molecular consequence: missense variant.
Genome position (GRCh38, 1-based): chr1:56,917,657, G>T. VCF-style: chr1-56917657-G-T. GRCh37 (hg19) VCF-style: chr1-57383330-G-T.
Other names: short protein forms A566S.
Identifiers: ClinVar variation 1507524 (VCV001507524.4), dbSNP rs369360225, ClinGen allele CA875476.